The following is an entry in ClinVar:

ClinVar aggregate classification (germline): Uncertain significance (1 of 4 stars; one submission).

Conditions:
Autosomal recessive severe congenital neutropenia due to CSF3R deficiency. Also called: Neutropenia, severe congenital, 7, autosomal recessive. Identifiers: Orphanet 420702, MedGen C4310764, MONDO:0014865, OMIM 617014.

Submission:

Labcorp Genetics (formerly Invitae), Labcorp
Classification: Uncertain significance for Autosomal recessive severe congenital neutropenia due to CSF3R deficiency. Last evaluated: 2025-05-11. Review status: criteria provided, single submitter. Criteria: Invitae Variant Classification Sherloc (09022015). Collection method: clinical testing. Allele origin: germline.
Comment: This sequence change replaces histidine, which is basic and polar, with arginine, which is basic and polar, at codon 597 of the CSF3R protein (p.His597Arg). This variant is not present in population databases (gnomAD no frequency). This variant has not been reported in the literature in individuals affected with CSF3R-related conditions. Invitae Evidence Modeling of protein sequence and biophysical properties (such as structural, functional, and spatial information, amino acid conservation, physicochemical variation, residue mobility, and thermodynamic stability) indicates that this missense variant is not expected to disrupt CSF3R protein function with a negative predictive value of 80%. In summary, the available evidence is currently insufficient to determine the role of this variant in disease. Therefore, it has been classified as a Variant of Uncertain Significance.

NM_000760.4(CSF3R):c.1790A>G (p.His597Arg)

Gene: CSF3R (colony stimulating factor 3 receptor; minus strand). Cytogenetic location: 1p34.3.
Variant type: single nucleotide variant.
Coding change: c.1790A>G on transcript NM_000760.4 (MANE Select); coding-DNA position 1790, A replaced by G.
Protein change: p.His597Arg; replaces histidine 597 with arginine.
Molecular consequence: missense variant.
Genome position (GRCh38, 1-based): chr1:36,467,896, T>C on the plus strand (A>G on the coding strand, the complement: CSF3R is on the minus strand). VCF-style: chr1-36467896-T-C. GRCh37 (hg19) VCF-style: chr1-36933497-T-C.
Other names: c.1790A>G, p.His597Arg (NM_156039.3, NM_172313.3); short protein forms H597R.
Identifiers: ClinVar variation 4744507 (VCV004744507.1).